The following is an entry in ClinVar:

NM_001126111.3(OSGIN2):c.57C>T (p.Asp19=)

Gene: OSGIN2 (oxidative stress induced growth inhibitor family member 2; plus strand). Cytogenetic location: 8q21.3.
Variant type: single nucleotide variant.
Coding change: c.57C>T on transcript NM_001126111.3 (MANE Select); coding-DNA position 57, C replaced by T.
Protein change: p.Asp19=; no amino-acid change (aspartic acid 19 retained).
Molecular consequence: synonymous variant. On other transcripts: 5 prime UTR variant (1).
Genome position (GRCh38, 1-based): chr8:89,909,579, C>T. VCF-style: chr8-89909579-C-T. GRCh37 (hg19) VCF-style: chr8-90921807-C-T.
Other names: c.-76C>T (NM_004337.2).
Identifiers: ClinVar variation 2658680 (VCV002658680.24), dbSNP rs2488096547, ClinGen allele CA461832248.
Genomic context (GRCh38, chr8:89,909,579, plus strand): 5'-GCTATATTGACTATATCTCTTTTTATTCCCCCTTTTTTTTTTTTAAAGAAACTATAGTGA[C>T]ACTGAAACTGAAGGAGAGATTTTTAATTCCTTAGTGCAATACTTTGGTGACAACTTGGGG-3'
Protein context (NP_001119583.1, residues 9-29): SLAGHFRNYS[Asp19=]TETEGEIFNS

ClinVar aggregate classification (germline): Likely benign (1 of 4 stars; one submission).

Submission:

CeGaT Center for Human Genetics Tuebingen
Classification: Likely benign. Last evaluated: 2023-04-01. Review status: criteria provided, single submitter. Criteria: CeGaT Center For Human Genetics Tuebingen Variant Classification Criteria Version 2. Collection method: clinical testing. Allele origin: germline. Affected: yes. Observed: 1 variant allele.
Comment: OSGIN2: PM2:Supporting, BP4, BP7